The following is an entry in ClinVar:

ClinVar aggregate classification (germline): Pathogenic. Review status: criteria provided, single submitter (1 of 4 stars). 2 submissions from 2 submitters: Pathogenic (1). 1 of the submissions does not count toward it. Last evaluated 2022-07-29.

Conditions:
Hypermetabolism due to uncoupled mitochondrial oxidative phosphorylation 2 (HUMOP2). Identifiers: MedGen C5774237, MONDO:0859302, OMIM 620085.
Hypermetabolism due to Defect in Mitochondrial Coupling.

Submissions (2):

Ganetzky Laboratory, Children's Hospital of Philadelphia
Classification: Pathogenic for Hypermetabolism due to Defect in Mitochondrial Coupling. Last evaluated: 2022-07-29. Review status: criteria provided, single submitter. Criteria: ('ACMG 2015 criteria. Collection method: clinical testing, research. Allele origin: de novo, not applicable. Inheritance: Autosomal dominant inheritance. Affected: yes. Observed: 1 heterozygote. Functional consequence: gain_of_function_variant.
Comment: The Leu335Pro variant was confirmed de novo variant in affected monozygotic twins. It is absent from controls and affects a highly evolutionarily conserved residue. Leu335 is in the critical hydrophobic sleeve region, where nearby mutations in yeast cause an uncoupling phenotype. Oxygen consumption and membrane potential studies in both patient fibroblasts and CRISPR-based knock in cells show loosened coupling within oxidative phosphorylation due to intrinsic complex V dysfunction. Further, heterologous expression of p.Leu335Pro on a wild-type background recapitulates these biochemical findings, consistent with a dominant-negative effect on coupling. Based on these findings, the variant classified as “pathogenic” by American College of Medical Genetics and Genomics criteria based on de novo inheritance (PS2), in vitro functional studies (PS3), location in a critical region (PM1) and absence from controls (PM2)

OMIM
Classification: Pathogenic for HYPERMETABOLISM DUE TO UNCOUPLED MITOCHONDRIAL OXIDATIVE PHOSPHORYLATION 2 (1 family). Last evaluated: 2026-02-12. Review status: no assertion criteria provided. Collection method: literature only. Allele origin: germline. Not counted in ClinVar's aggregate classification.

Literature cited by the submitters: PubMed 36239646 (cited by OMIM).

NM_001686.4(ATP5F1B):c.1004T>C (p.Leu335Pro)

Gene: ATP5F1B (ATP synthase F1 subunit beta; minus strand). Cytogenetic location: 12q13.3.
Variant type: single nucleotide variant.
Coding change: c.1004T>C on transcript NM_001686.4 (MANE Select); coding-DNA position 1004, T replaced by C.
Protein change: p.Leu335Pro; replaces leucine 335 with proline.
Molecular consequence: missense variant.
Genome position (GRCh38, 1-based): chr12:56,642,528, A>G on the plus strand (T>C on the coding strand, the complement: ATP5F1B is on the minus strand). VCF-style: chr12-56642528-A-G. GRCh37 (hg19) VCF-style: chr12-57036312-A-G.
Other names: short protein forms L335P.
Identifiers: ClinVar variation 1699953 (VCV001699953.20), dbSNP rs2547807758, ClinGen allele CA385373751.